The following is an entry in ClinVar:

ClinVar aggregate classification (germline): Conflicting classifications of pathogenicity. Review status: criteria provided, conflicting classifications (1 of 4 stars). 13 submissions from 13 submitters: Uncertain significance (5); Benign (1); Likely benign (4). 3 of the submissions do not count toward it. Last evaluated 2026-07-01.

Conditions:
ABCA4-related disorder. Also called: ABCA4-related disorders; ABCA4-related condition. Identifiers: MedGen CN239167.
Retinal dystrophy. Also called: Inherited retinal dystrophy. Identifiers: Orphanet 71862, MedGen C0854723, MeSH D058499, MONDO:0019118, HP:0000556.
Stargardt disease (FFM). Also called: Stargardt's disease; Fundus flavimaculatus. Identifiers: Orphanet 827, MedGen C0271093, MONDO:0019353.
Severe early-childhood-onset retinal dystrophy (STGD1). Also called: MACULAR DYSTROPHY WITH FLECKS, TYPE 1; Stargardt macular dystrophy; Juvenile onset macular degeneration; Stargardt disease 1; STGD. Identifiers: Orphanet 364055, Orphanet 827, MedGen C1855465, MeSH D000080362, MONDO:0009549, OMIM 248200.
Vitreoretinopathy. Also called: Vitreoretinal degeneration. Identifiers: MedGen C0344290, MONDO:0020248, HP:0007773.

Allele frequency attached by ClinVar (database versions not stated): 1000 Genomes Project 0.00240; gnomAD exomes 0.00300 and 0.00493; gnomAD 0.00362 and 0.00355; TOPMed 0.00388; ExAC 0.00293.
gnomAD v4.1: 7,724 of 1,613,956 alleles (0.48%); highest among the groups gnomAD compares: Non-Finnish European, 0.58%; 25 homozygotes.

Submissions (13):

CeGaT Center for Human Genetics Tuebingen
Classification: Likely benign. Last evaluated: 2026-07-01. Review status: criteria provided, single submitter. Criteria: CeGaT Center For Human Genetics Tuebingen Variant Classification Criteria Version 2. Collection method: clinical testing. Allele origin: germline. Affected: yes. Observed: 8 variant alleles.
Comment: ABCA4: PM5:Supporting, PP3, BS2

PreventionGenetics, part of Exact Sciences
Classification: Uncertain significance for ABCA4-related condition. Last evaluated: 2026-05-11. Review status: criteria provided, single submitter. Criteria: ACMG Guidelines, 2015. Collection method: clinical testing. Allele origin: germline.
Comment: The ABCA4 c.5908C>T variant is predicted to result in the amino acid substitution p.Leu1970Phe. This variant has been reported many times in individuals with Stargardt disease, late-onset fundus flavimaculatus, and/or age-related macular degeneration (Lewis et al. 1999. PubMed ID: 9973280; Allikmets et al. 1997. PubMed ID: 9295268; Rozet et al. 1998. PubMed ID: 9781034; Webster et al. 2001. PubMed ID: 11328725; Thiadens et al. 2012. PubMed ID: 22264887; Fujinami et al. 2019. PubMed ID: 29925512). However, in some of these cases a second causative variant in ABCA4 was not detected. Additionally, this variant has been reported in individuals in which there were pathogenic variants in different genes that could explain their inherited retinal dystrophy (Jespersgaard et al. 2019. PubMed ID: 30718709; Zhu et al. 2022. PubMed ID: 35456422). Here, at PreventionGenetics, we have also detected this variant in the absence of a second causative variant, and sometimes these individuals were positive for pathogenic variants in different genes (Internal Data). This variant is documented in 0.46% of alleles in individuals of European (Non-Finnish) descent in gnomAD, including 25 homozygous individuals in the latest dataset. Given the conflicting evidence, the clinical significance of this variant is uncertain at this time.

Labcorp Genetics (formerly Invitae), Labcorp
Classification: Benign. Last evaluated: 2026-02-01. Review status: criteria provided, single submitter. Criteria: Invitae Variant Classification Sherloc (09022015). Collection method: clinical testing. Allele origin: germline.

GeneDx
Classification: Likely benign. Last evaluated: 2025-12-18. Review status: criteria provided, single submitter. Criteria: GeneDx Variant Classification Process June 2021. Collection method: clinical testing. Allele origin: germline. Affected: yes.
Comment: See Variant Classification Assertion Criteria.

Blueprint Genetics
Classification: Likely benign. Last evaluated: 2024-11-19. Review status: criteria provided, single submitter. Criteria: ACMG Guidelines, 2015. Collection method: clinical testing. Allele origin: germline.

Department of Pathology and Laboratory Medicine, Sinai Health System
Classification: Uncertain significance for Severe early-childhood-onset retinal dystrophy. Last evaluated: 2023-09-25. Review status: criteria provided, single submitter. Criteria: ACMG Guidelines, 2015. Collection method: research. Allele origin: germline.

Institute of Human Genetics, Univ. Regensburg, Univ. Regensburg
Classification: Uncertain significance for Retinal dystrophy. Last evaluated: 2023-01-01. Review status: criteria provided, single submitter. Criteria: ACMG Guidelines, 2015. Collection method: clinical testing. Allele origin: germline. Affected: yes.

Revvity Omics, Revvity
Classification: Uncertain significance. Last evaluated: 2022-01-07. Review status: criteria provided, single submitter. Criteria: ACMG Guidelines, 2015. Collection method: clinical testing. Allele origin: germline.

CENTOGENE GmbH and LLC - Guiding Precision Medicine
Classification: Uncertain significance for Severe early-childhood-onset retinal dystrophy. Last evaluated: 2021-08-27. Review status: criteria provided, single submitter. Criteria: ACMG Guidelines, 2015. Collection method: clinical testing. Allele origin: maternal. Affected: yes.

Eurofins Ntd Llc (ga)
Classification: Likely benign. Last evaluated: 2018-06-22. Review status: criteria provided, single submitter. Criteria: EGL ClinVar v180209 classification definitions. Collection method: clinical testing. Allele origin: germline. Observed: 5 variant alleles, 5 heterozygotes.

Department of Clinical Genetics, Copenhagen University Hospital, Rigshospitalet
Classification: Pathogenic for Vitreoretinopathy. Last evaluated: 2018-04-01. Review status: no assertion criteria provided. Collection method: research. Allele origin: unknown. Affected: yes. Study: VeluxRD. Not counted in ClinVar's aggregate classification.

OMIM
Classification: Pathogenic for FUNDUS FLAVIMACULATUS. Last evaluated: 1998-05-01. Review status: no assertion criteria provided. Collection method: literature only. Allele origin: germline. Not counted in ClinVar's aggregate classification.

Retina International
No classification provided. Review status: no classification provided. Collection method: not provided. Allele origin: unknown. Not counted in ClinVar's aggregate classification.

Literature cited by the submitters: PubMed 9295268 (cited by Institute of Human Genetics, Univ. Regensburg, Univ. Regensburg); PubMed 22264887 (cited by Institute of Human Genetics, Univ. Regensburg, Univ. Regensburg); PubMed 23953153 (cited by Institute of Human Genetics, Univ. Regensburg, Univ. Regensburg); PubMed 25087612 (cited by Institute of Human Genetics, Univ. Regensburg, Univ. Regensburg); PubMed 28157192 (cited by Institute of Human Genetics, Univ. Regensburg, Univ. Regensburg); PubMed 28118664 (cited by Institute of Human Genetics, Univ. Regensburg, Univ. Regensburg); PubMed 29925512 (cited by Institute of Human Genetics, Univ. Regensburg, Univ. Regensburg); PubMed 31847883 (cited by Institute of Human Genetics, Univ. Regensburg, Univ. Regensburg); PubMed 32307445 (cited by Institute of Human Genetics, Univ. Regensburg, Univ. Regensburg); PubMed 33633436 (cited by Institute of Human Genetics, Univ. Regensburg, Univ. Regensburg); PubMed 34327195 (cited by Institute of Human Genetics, Univ. Regensburg, Univ. Regensburg); PubMed 34426522 (cited by Institute of Human Genetics, Univ. Regensburg, Univ. Regensburg); PubMed 35260635 (cited by Institute of Human Genetics, Univ. Regensburg, Univ. Regensburg); PubMed 35456422 (cited by Institute of Human Genetics, Univ. Regensburg, Univ. Regensburg); PubMed 30718709 (cited by Department of Clinical Genetics, Copenhagen University Hospital, Rigshospitalet); PubMed 9781034 (cited by OMIM).

NM_000350.3(ABCA4):c.5908C>T (p.Leu1970Phe)

Gene: ABCA4 (ATP binding cassette subfamily A member 4; minus strand). Cytogenetic location: 1p22.1.
Variant type: single nucleotide variant.
Coding change: c.5908C>T on transcript NM_000350.3 (MANE Select); coding-DNA position 5908, C replaced by T.
Protein change: p.Leu1970Phe; replaces leucine 1970 with phenylalanine.
Molecular consequence: missense variant.
Genome position (GRCh38, 1-based): chr1:94,007,731, G>A on the plus strand (C>T on the coding strand, the complement: ABCA4 is on the minus strand). VCF-style: chr1-94007731-G-A. GRCh37 (hg19) VCF-style: chr1-94473287-G-A.
Other names: c.5686C>T, p.Leu1896Phe (NM_001425324.1); short protein forms L1970F, L1896F.
Identifiers: ClinVar variation 7892 (VCV000007892.68), dbSNP rs28938473, ClinGen allele CA119133.